The following is an entry in ClinVar:

ClinVar aggregate classification (germline): Uncertain significance. Review status: criteria provided, multiple submitters, no conflicts (2 of 4 stars). 2 submissions from 2 submitters: Uncertain significance (2). Last evaluated 2024-10-29.

gnomAD v4.1: 1 of 1,606,820 alleles (0.000062%); highest among the groups gnomAD compares: Non-Finnish European, 0.000085%; no homozygotes.

Submissions (2):

GeneDx
Classification: Uncertain significance. Last evaluated: 2024-10-29. Review status: criteria provided, single submitter. Criteria: GeneDx Variant Classification Process June 2021. Collection method: clinical testing. Allele origin: germline. Affected: yes.
Comment: Not observed at significant frequency in large population cohorts (gnomAD); In silico analysis supports that this missense variant has a deleterious effect on protein structure/function; Has not been previously published as pathogenic or benign to our knowledge

Blueprint Genetics
Classification: Uncertain significance. Last evaluated: 2017-06-07. Review status: criteria provided, single submitter. Criteria: ACMG Guidelines, 2015. Collection method: clinical testing. Allele origin: germline.

NM_006129.5(BMP1):c.1647C>G (p.Asp549Glu)

Genes: BMP1 (bone morphogenetic protein 1; plus strand), LOC113788269 (BRD4-independent group 4 enhancer GRCh37_chr8:22052064-22053263; plus strand). Cytogenetic location: 8p21.3.
Variant type: single nucleotide variant.
Coding change: c.1647C>G on transcript NM_006129.5 (MANE Select); coding-DNA position 1647, C replaced by G.
Protein change: p.Asp549Glu; replaces aspartic acid 549 with glutamic acid.
Molecular consequence: missense variant. On other transcripts: non-coding transcript variant (2).
Genome position (GRCh38, 1-based): chr8:22,195,469, C>G. VCF-style: chr8-22195469-C-G. GRCh37 (hg19) VCF-style: chr8-22052982-C-G.
Other names: c.1647C>G, p.Asp549Glu (NM_001199.4); short protein forms D549E.
Identifiers: ClinVar variation 3897349 (VCV003897349.2).
Genomic context (GRCh38, chr8:22,195,469, plus strand): 5'-GCTTCTTCCCTTGAATGCCTGGAGTCTGTGACACCCTTTCCTTCCCACCACAGAGGTGGA[C>G]GAGTGCTCTCGGCCCAACCGCGGGGGCTGTGAGCAGCGGTGCCTCAACACCCTGGGCAGC-3'
Protein context (NP_006120.1, residues 539-559): GFAVNFFKEV[Asp549Glu]ECSRPNRGGC